The following is an entry in ClinVar:

ClinVar aggregate classification (germline): Uncertain significance (1 of 4 stars; one submission).

Conditions:
Tay-Sachs disease (TSD). Also called: HEXA DEFICIENCY; GM2 gangliosidosis, type 1; Hexosaminidase alpha-subunit deficiency (variant B); Sphingolipidosis, Tay-Sachs; Hexosaminidase A Deficiency; HEXA Disorders. Identifiers: Orphanet 845, MedGen C0039373, MONDO:0010100, OMIM 272800.

Allele frequency attached by ClinVar (database versions not stated): gnomAD 0.00001; ExAC 0.00002.
gnomAD v4.1: 3 of 1,613,970 alleles (0.00019%); highest among the groups gnomAD compares: Admixed American, 0.005%; no homozygotes.

Submission:

Labcorp Genetics (formerly Invitae), Labcorp
Classification: Uncertain significance for Tay-Sachs disease. Last evaluated: 2023-04-06. Review status: criteria provided, single submitter. Criteria: Invitae Variant Classification Sherloc (09022015). Collection method: clinical testing. Allele origin: germline.
Comment: This sequence change falls in intron 1 of the HEXA gene. It does not directly change the encoded amino acid sequence of the HEXA protein. It affects a nucleotide within the consensus splice site. This variant is present in population databases (rs781345077, gnomAD 0.006%). This variant has not been reported in the literature in individuals affected with HEXA-related conditions. Variants that disrupt the consensus splice site are a relatively common cause of aberrant splicing (PMID: 17576681, 9536098). Algorithms developed to predict the effect of sequence changes on RNA splicing suggest that this variant is not likely to affect RNA splicing. In summary, the available evidence is currently insufficient to determine the role of this variant in disease. Therefore, it has been classified as a Variant of Uncertain Significance.

Literature cited by the submitters: PubMed 17576681; PubMed 9536098.

NM_000520.6(HEXA):c.253+5G>T

Gene: HEXA (hexosaminidase subunit alpha; minus strand). Cytogenetic location: 15q23.
Variant type: single nucleotide variant.
Coding change: c.253+5G>T on transcript NM_000520.6 (MANE Select); 5 bases into the intron after coding-DNA position 253, G replaced by T.
Molecular consequence: intron variant.
Genome position (GRCh38, 1-based): chr15:72,375,715, C>A on the plus strand (G>T on the coding strand, the complement: HEXA is on the minus strand). VCF-style: chr15-72375715-C-A. GRCh37 (hg19) VCF-style: chr15-72668056-C-A.
Other names: c.253+5G>T (NM_001318825.2).
Identifiers: ClinVar variation 2874384 (VCV002874384.3), dbSNP rs781345077, ClinGen allele CA7645082.